The following is an entry in ClinVar:

ClinVar aggregate classification (germline): Uncertain significance (1 of 4 stars; one submission).

Conditions:
Pitt-Hopkins-like syndrome 2 (PTHSL2). Identifiers: Orphanet 221150, Orphanet 600663, MedGen C3280479, MONDO:0013690, OMIM 614325.

gnomAD v4.1: 2 of 1,612,300 alleles (0.00012%); highest among the groups gnomAD compares: African/African-American, 0.0013%; no homozygotes.

Submission:

Labcorp Genetics (formerly Invitae), Labcorp
Classification: Uncertain significance for Pitt-Hopkins-like syndrome 2. Last evaluated: 2025-01-06. Review status: criteria provided, single submitter. Criteria: Invitae Variant Classification Sherloc (09022015). Collection method: clinical testing. Allele origin: germline.
Comment: This sequence change replaces aspartic acid, which is acidic and polar, with asparagine, which is neutral and polar, at codon 1431 of the NRXN1 protein (p.Asp1431Asn). This variant is not present in population databases (gnomAD no frequency). This variant has not been reported in the literature in individuals affected with NRXN1-related conditions. Invitae Evidence Modeling of protein sequence and biophysical properties (such as structural, functional, and spatial information, amino acid conservation, physicochemical variation, residue mobility, and thermodynamic stability) indicates that this missense variant is not expected to disrupt NRXN1 protein function with a negative predictive value of 80%. In summary, the available evidence is currently insufficient to determine the role of this variant in disease. Therefore, it has been classified as a Variant of Uncertain Significance.

NM_001330078.2(NRXN1):c.4171G>A (p.Asp1391Asn)

Gene: NRXN1 (neurexin 1; minus strand). Cytogenetic location: 2p16.3.
Variant type: single nucleotide variant.
Coding change: c.4171G>A on transcript NM_001330078.2 (MANE Select); coding-DNA position 4171, G replaced by A.
Protein change: p.Asp1391Asn; replaces aspartic acid 1391 with asparagine.
Molecular consequence: missense variant.
Genome position (GRCh38, 1-based): chr2:49,943,749, C>T on the plus strand (G>A on the coding strand, the complement: NRXN1 is on the minus strand). VCF-style: chr2-49943749-C-T. GRCh37 (hg19) VCF-style: chr2-50170887-C-T.
Other names: c.3970G>A, p.Asp1324Asn (NM_001330087.2, NM_001330096.2); c.4000G>A, p.Asp1334Asn (NM_001330088.2); c.1066G>A, p.Asp356Asn (NM_001330091.2, NM_001330092.2); c.4168G>A, p.Asp1390Asn (NM_001330093.2); c.4159G>A, p.Asp1387Asn (NM_001330094.2); c.4030G>A, p.Asp1344Asn (NM_001330095.2); c.976G>A, p.Asp326Asn (NM_001330097.2, NM_138735.5); c.4081G>A, p.Asp1361Asn (NM_004801.6); and 7 more; short protein forms D1324N, D1361N, D1431N, D1334N, D1344N, D1369N, D1339N, D1383N.
Identifiers: ClinVar variation 3714576 (VCV003714576.2).
Genomic context (GRCh38, chr2:49,943,749, plus strand): 5'-AAAAAGTTGACTAACCTAACCCACCTGAGCTCGGCTCACAGGGGTCAATGTCCTCATCAT[C>T]GCTGGGACACTCTGCTGAGGCCACAAGGATGTCATCTGTGGTCTGCAAAAGAATCACATT-3'
Protein context (NP_001317007.1, residues 1381-1401): ILVASAECPS[Asp1391Asn]DEDIDPCEPS